The following is an entry in ClinVar:

NM_001267550.2(TTN):c.32555-12G>T

Gene: TTN (titin; minus strand). Cytogenetic location: 2q31.2.
Variant type: single nucleotide variant.
Coding change: c.32555-12G>T on transcript NM_001267550.2 (MANE Select); 12 bases into the intron before coding-DNA position 32555, G replaced by T.
Molecular consequence: intron variant.
Genome position (GRCh38, 1-based): chr2:178,684,761, C>A on the plus strand (G>T on the coding strand, the complement: TTN is on the minus strand). VCF-style: chr2-178684761-C-A. GRCh37 (hg19) VCF-style: chr2-179549488-C-A.
Other names: c.13283-42444G>T (NM_003319.4); c.13859-42444G>T (NM_133437.4); c.13658-42444G>T (NM_133432.3); c.28823-12G>T (NM_133378.4); c.31604-12G>T (NM_001256850.1).
Identifiers: ClinVar variation 46869 (VCV000046869.18), dbSNP rs397517540, ClinGen allele CA139395.

ClinVar aggregate classification (germline): Conflicting classifications of pathogenicity. Review status: criteria provided, conflicting classifications (1 of 4 stars). 8 submissions from 4 submitters: Uncertain significance (6); Likely benign (2). Last evaluated 2025-12-16.

Conditions:
Dilated cardiomyopathy 1G (CMD1G). Identifiers: Orphanet 154, MedGen C1858763, MONDO:0011400, OMIM 604145.
Autosomal recessive limb-girdle muscular dystrophy type 2J (LGMDR10). Also called: Limb-girdle muscular dystrophy, type 2J; MUSCULAR DYSTROPHY, LIMB-GIRDLE, AUTOSOMAL RECESSIVE 10. Identifiers: Orphanet 140922, MedGen C1837342, MONDO:0012127, OMIM 608807.
Early-onset myopathy with fatal cardiomyopathy (CMYO5). Also called: CONGENITAL MYOPATHY 5 WITH CARDIOMYOPATHY; Salih Myopathy. Identifiers: Orphanet 289377, MedGen C2673677, MONDO:0012714, OMIM 611705. Disease mechanism: loss of function.
Myopathy, myofibrillar, 9, with early respiratory failure (MFM9). Also called: MYOPATHY, PROXIMAL, WITH EARLY RESPIRATORY MUSCLE INVOLVEMENT; Myopathy, distal, with early respiratory failure, autosomal dominant; Hereditary myopathy with early respiratory failure; EDSTROM MYOPATHY. Identifiers: Orphanet 178464, Orphanet 34521, MedGen C1863599, MONDO:0011362, OMIM 603689.
Tibial muscular dystrophy (TMD). Also called: Tibial muscular dystrophy, tardive; UDD MYOPATHY; Udd Distal Myopathy – Tibial Muscular Dystrophy. Identifiers: Orphanet 609, MedGen C1838244, MONDO:0010870, OMIM 600334.

Allele frequency attached by ClinVar (database versions not stated): gnomAD exomes 0.00002 and 0.00005; gnomAD 0.00003; ExAC 0.00004; TOPMed 0.00004.
gnomAD v4.1: 36 of 1,610,610 alleles (0.0022%); highest among the groups gnomAD compares: Admixed American, 0.017%; no homozygotes.

Submissions (8):

Labcorp Genetics (formerly Invitae), Labcorp
Classification: Likely benign for Dilated cardiomyopathy 1G; Autosomal recessive limb-girdle muscular dystrophy type 2J. Last evaluated: 2025-12-16. Review status: criteria provided, single submitter. Criteria: Invitae Variant Classification Sherloc (09022015). Collection method: clinical testing. Allele origin: germline.

GeneDx
Classification: Likely benign. Last evaluated: 2020-02-04. Review status: criteria provided, single submitter. Criteria: GeneDx Variant Classification Process June 2021. Collection method: clinical testing. Allele origin: germline. Affected: yes.

Illumina Laboratory Services, Illumina
Classification: Uncertain significance for Early-onset myopathy with fatal cardiomyopathy. Last evaluated: 2018-01-15. Review status: criteria provided, single submitter. Criteria: ICSL Variant Classification Criteria 13 December 2019. Collection method: clinical testing. Allele origin: germline.

Illumina Laboratory Services, Illumina
Classification: Uncertain significance for Tibial muscular dystrophy. Last evaluated: 2018-01-15. Review status: criteria provided, single submitter. Criteria: ICSL Variant Classification Criteria 13 December 2019. Collection method: clinical testing. Allele origin: germline.

Illumina Laboratory Services, Illumina
Classification: Uncertain significance for Dilated cardiomyopathy 1G. Last evaluated: 2018-01-15. Review status: criteria provided, single submitter. Criteria: ICSL Variant Classification Criteria 13 December 2019. Collection method: clinical testing. Allele origin: germline.

Illumina Laboratory Services, Illumina
Classification: Uncertain significance for Autosomal recessive limb-girdle muscular dystrophy type 2J. Last evaluated: 2018-01-15. Review status: criteria provided, single submitter. Criteria: ICSL Variant Classification Criteria 13 December 2019. Collection method: clinical testing. Allele origin: germline.

Illumina Laboratory Services, Illumina
Classification: Uncertain significance for Myopathy, myofibrillar, 9, with early respiratory failure. Last evaluated: 2018-01-15. Review status: criteria provided, single submitter. Criteria: ICSL Variant Classification Criteria 13 December 2019. Collection method: clinical testing. Allele origin: germline.

Laboratory for Molecular Medicine, Mass General Brigham Personalized Medicine
Classification: Uncertain significance. Last evaluated: 2012-03-06. Review status: criteria provided, single submitter. Criteria: LMM Criteria. Collection method: clinical testing. Allele origin: germline. Observed: 1 variant allele.
Comment: The 28823-12G>T variant (TNN) has not been reported in the literature nor previo usly identified by our laboratory. This variant is located in the 3' splice regi on but does not alter the invariant -1 or -2 positions. Computational tools do n o predict altered splicing, though this information is not predictive enough to rule out pathogenicity. Additional information is needed to fully assess the cli nical significance of this variant.